The following is an entry in ClinVar:

NM_001267550.2(TTN):c.96852T>C (p.Gly32284=)

Genes: TTN (titin; minus strand), TTN-AS1 (TTN antisense RNA 1; plus strand), LOC126806421 (CDK7 strongly-dependent group 2 enhancer GRCh37_chr2:179407630-179408829; plus strand). Cytogenetic location: 2q31.2.
Variant type: single nucleotide variant.
Coding change: c.96852T>C on transcript NM_001267550.2 (MANE Select); coding-DNA position 96852, T replaced by C.
Protein change: p.Gly32284=; no amino-acid change (glycine 32284 retained).
Molecular consequence: synonymous variant.
Genome position (GRCh38, 1-based): chr2:178,543,121, A>G on the plus strand (T>C on the coding strand, the complement: TTN is on the minus strand). VCF-style: chr2-178543121-A-G. GRCh37 (hg19) VCF-style: chr2-179407848-A-G.
Other names: c.91929T>C, p.Gly30643= (NM_001256850.1); c.69657T>C, p.Gly23219= (NM_003319.4); c.89148T>C, p.Gly29716= (NM_133378.4); c.70032T>C, p.Gly23344= (NM_133432.3); c.70233T>C, p.Gly23411= (NM_133437.4).
Identifiers: ClinVar variation 2928471 (VCV002928471.11), dbSNP rs768634786, ClinGen allele CA1986707.

ClinVar aggregate classification (germline): Likely benign. Review status: criteria provided, multiple submitters, no conflicts (2 of 4 stars). 3 submissions from 3 submitters: Likely benign (3). Last evaluated 2025-10-03.

Conditions:
Cardiovascular phenotype. Identifiers: MedGen CN230736.
Dilated cardiomyopathy 1G (CMD1G). Identifiers: Orphanet 154, MedGen C1858763, MONDO:0011400, OMIM 604145.
Autosomal recessive limb-girdle muscular dystrophy type 2J (LGMDR10). Also called: Limb-girdle muscular dystrophy, type 2J; MUSCULAR DYSTROPHY, LIMB-GIRDLE, AUTOSOMAL RECESSIVE 10. Identifiers: Orphanet 140922, MedGen C1837342, MONDO:0012127, OMIM 608807.

Allele frequency attached by ClinVar (database versions not stated): gnomAD exomes below 0.00001; ExAC 0.00001; gnomAD 0.00001.
gnomAD v4.1: 2 of 1,609,254 alleles (0.00012%); highest among the groups gnomAD compares: Non-Finnish European, 0.00017%; no homozygotes.

Submissions (3):

Labcorp Genetics (formerly Invitae), Labcorp
Classification: Likely benign for Dilated cardiomyopathy 1G; Autosomal recessive limb-girdle muscular dystrophy type 2J. Last evaluated: 2025-10-03. Review status: criteria provided, single submitter. Criteria: Invitae Variant Classification Sherloc (09022015). Collection method: clinical testing. Allele origin: germline.

CeGaT Center for Human Genetics Tuebingen
Classification: Likely benign. Last evaluated: 2025-02-01. Review status: criteria provided, single submitter. Criteria: CeGaT Center For Human Genetics Tuebingen Variant Classification Criteria Version 2. Collection method: clinical testing. Allele origin: germline. Affected: yes. Observed: 1 variant allele.
Comment: TTN: BP4, BP7

Ambry Genetics
Classification: Likely benign for Cardiovascular phenotype. Last evaluated: 2024-06-09. Review status: criteria provided, single submitter. Criteria: Ambry Variant Classification Scheme 2023. Collection method: clinical testing. Allele origin: germline.